The following is an entry in ClinVar:

NM_031475.3(ESPN):c.1182C>A (p.His394Gln)

Gene: ESPN (espin; plus strand). Cytogenetic location: 1p36.31.
Variant type: single nucleotide variant.
Coding change: c.1182C>A on transcript NM_031475.3 (MANE Select); coding-DNA position 1182, C replaced by A.
Protein change: p.His394Gln; replaces histidine 394 with glutamine.
Molecular consequence: missense variant.
Genome position (GRCh38, 1-based): chr1:6,444,672, C>A. VCF-style: chr1-6444672-C-A. GRCh37 (hg19) VCF-style: chr1-6504732-C-A.
Other names: c.1182C>A, p.His394Gln (NM_001367473.1, NM_001367474.1); short protein forms H394Q.
Identifiers: ClinVar variation 1924508 (VCV001924508.7), dbSNP rs376401370, ClinGen allele CA560132.

ClinVar aggregate classification (germline): Uncertain significance. Review status: criteria provided, multiple submitters, no conflicts (2 of 4 stars). 2 submissions from 2 submitters: Uncertain significance (2). Last evaluated 2025-08-07.

Conditions:
Inborn genetic diseases. Identifiers: MedGen C0950123, MeSH D030342.

gnomAD v4.1: 10 of 1,614,068 alleles (0.00062%); highest among the groups gnomAD compares: African/African-American, 0.013%; no homozygotes.

Submissions (2):

Ambry Genetics
Classification: Uncertain significance for Inborn genetic diseases. Last evaluated: 2025-08-07. Review status: criteria provided, single submitter. Criteria: Ambry Variant Classification Scheme 2023. Collection method: clinical testing. Allele origin: germline.

Labcorp Genetics (formerly Invitae), Labcorp
Classification: Uncertain significance. Last evaluated: 2022-10-25. Review status: criteria provided, single submitter. Criteria: Invitae Variant Classification Sherloc (09022015). Collection method: clinical testing. Allele origin: germline.
Comment: In summary, the available evidence is currently insufficient to determine the role of this variant in disease. Therefore, it has been classified as a Variant of Uncertain Significance. Algorithms developed to predict the effect of missense changes on protein structure and function (SIFT, PolyPhen-2, Align-GVGD) all suggest that this variant is likely to be tolerated. This variant has not been reported in the literature in individuals affected with ESPN-related conditions. This variant is present in population databases (rs376401370, gnomAD 0.02%). This sequence change replaces histidine, which is basic and polar, with glutamine, which is neutral and polar, at codon 394 of the ESPN protein (p.His394Gln).